The following is an entry in ClinVar:

ClinVar aggregate classification (germline): Pathogenic. Review status: criteria provided, multiple submitters, no conflicts (2 of 4 stars). 2 submissions from 2 submitters: Pathogenic (2). Last evaluated 2025-07-07.

Conditions:
Breast-ovarian cancer, familial, susceptibility to, 2 (BROVCA2). Also called: BRCA2 Hereditary Breast and Ovarian Cancer. Identifiers: Orphanet 145, MedGen C2675520, MONDO:0012933, OMIM 612555. Disease mechanism: loss of function.
Hereditary cancer-predisposing syndrome. Also called: Tumor predisposition; Neoplastic Syndromes, Hereditary; Hereditary Cancer Syndrome; Hereditary neoplastic syndrome. Identifiers: Orphanet 140162, MedGen C0027672, MeSH D009386, MONDO:0015356.

Submissions (2):

Myriad Genetics, Inc.
Classification: Pathogenic for Breast-ovarian cancer, familial, susceptibility to, 2. Last evaluated: 2025-07-07. Review status: criteria provided, single submitter. Criteria: Myriad Autosomal Dominant, Autosomal Recessive and X-Linked Classification Criteria (2023). Collection method: clinical testing. Allele origin: unknown.
Comment: This variant is considered pathogenic. This variant creates a frameshift predicted to result in premature protein truncation.

Ambry Genetics
Classification: Pathogenic for Hereditary cancer-predisposing syndrome. Last evaluated: 2020-11-17. Review status: criteria provided, single submitter. Criteria: Ambry Variant Classification Scheme 2023. Collection method: clinical testing. Allele origin: germline.
Comment: The c.2077delT pathogenic mutation, located in coding exon 10 of the BRCA2 gene, results from a deletion of one nucleotide at nucleotide position 2077, causing a translational frameshift with a predicted alternate stop codon (p.C693Vfs*37). This alteration is expected to result in loss of function by premature protein truncation or nonsense-mediated mRNA decay. As such, this alteration is interpreted as a disease-causing mutation. Since supporting evidence is limited at this time, the clinical significance of this alteration remains unclear.

NM_000059.4(BRCA2):c.2077del (p.Cys693fs)

Gene: BRCA2 (BRCA2 DNA repair associated; plus strand). Cytogenetic location: 13q13.1.
Variant type: Deletion.
Coding change: c.2077del on transcript NM_000059.4 (MANE Select); coding-DNA position 2077, one base deleted (T; older notation c.2077delT).
Protein change: p.Cys693fs; shifts the reading frame from cysteine 693.
Molecular consequence: frameshift variant.
Genome position (GRCh38, 1-based): chr13:32,336,432, T deleted. VCF-style (leftmost placement, unchanged base first): chr13-32336431-AT-A. GRCh37 (hg19) VCF-style: chr13-32910568-AT-A.
Other names: c.2077delT, p.Cys693Valfs (NM_001406719.1, NM_001406720.1); short protein forms C693fs.
Identifiers: ClinVar variation 1785478 (VCV001785478.3), dbSNP rs2548523114, ClinGen allele CA2580087198.